The following is an entry in ClinVar:

ClinVar aggregate classification (germline): Uncertain significance (1 of 4 stars; one submission).

Submission:

Ambry Genetics
Classification: Uncertain significance. Last evaluated: 2025-04-09. Review status: criteria provided, single submitter. Criteria: Ambry Variant Classification Scheme 2023. Collection method: clinical testing. Allele origin: germline.
Comment: The p.R19S variant (also known as c.55C>A), located in coding exon 1 of the WNK2 gene, results from a C to A substitution at nucleotide position 55. The arginine at codon 19 is replaced by serine, an amino acid with dissimilar properties. This amino acid position is conserved. In addition, this alteration is predicted to be tolerated by in silico analysis. Based on the available evidence, the clinical significance of this variant remains unclear.

NM_006648.4(WNK2):c.55C>A (p.Arg19Ser)

Gene: WNK2 (WNK lysine deficient protein kinase 2; plus strand). Cytogenetic location: 9q22.31.
Variant type: single nucleotide variant.
Coding change: c.55C>A on transcript NM_006648.4 (MANE Select); coding-DNA position 55, C replaced by A.
Protein change: p.Arg19Ser; replaces arginine 19 with serine.
Molecular consequence: missense variant.
Genome position (GRCh38, 1-based): chr9:93,184,984, C>A. VCF-style: chr9-93184984-C-A. GRCh37 (hg19) VCF-style: chr9-95947266-C-A.
Other names: c.55C>A, p.Arg19Ser (NM_001282394.3); short protein forms R19S.
Identifiers: ClinVar variation 3981840 (VCV003981840.1).